The following is an entry in ClinVar:

NM_001942.4(DSG1):c.2686G>A (p.Glu896Lys)

Genes: DSG1 (desmoglein 1; plus strand), DSG1-AS1 (DSG1 antisense RNA 1; minus strand). Cytogenetic location: 18q12.1.
Variant type: single nucleotide variant.
Coding change: c.2686G>A on transcript NM_001942.4 (MANE Select); coding-DNA position 2686, G replaced by A.
Protein change: p.Glu896Lys; replaces glutamic acid 896 with lysine.
Molecular consequence: missense variant.
Genome position (GRCh38, 1-based): chr18:31,354,882, G>A. VCF-style: chr18-31354882-G-A. GRCh37 (hg19) VCF-style: chr18-28934845-G-A.
Other names: short protein forms E896K.
Identifiers: ClinVar variation 4805028 (VCV004805028.1).

ClinVar aggregate classification (germline): Uncertain significance (1 of 4 stars; one submission).

Submission:

Labcorp Genetics (formerly Invitae), Labcorp
Classification: Uncertain significance. Last evaluated: 2025-03-06. Review status: criteria provided, single submitter. Criteria: Invitae Variant Classification Sherloc (09022015). Collection method: clinical testing. Allele origin: germline.
Comment: This sequence change replaces glutamic acid, which is acidic and polar, with lysine, which is basic and polar, at codon 896 of the DSG1 protein (p.Glu896Lys). This variant is not present in population databases (gnomAD no frequency). This variant has not been reported in the literature in individuals affected with DSG1-related conditions. An algorithm developed to predict the effect of missense changes on protein structure and function (PolyPhen-2) suggests that this variant is likely to be disruptive. In summary, the available evidence is currently insufficient to determine the role of this variant in disease. Therefore, it has been classified as a Variant of Uncertain Significance.